The following is an entry in ClinVar:

ClinVar aggregate classification (germline): Conflicting classifications of pathogenicity. Review status: criteria provided, conflicting classifications (1 of 4 stars). 2 submissions from 2 submitters: Uncertain significance (1); Likely benign (1). Last evaluated 2025-12-01.

Allele frequency attached by ClinVar (database versions not stated): gnomAD exomes 0.00004; ExAC 0.00005; TOPMed 0.00006; gnomAD 0.00008.
gnomAD v4.1: 79 of 1,613,570 alleles (0.0049%); highest among the groups gnomAD compares: Middle Eastern, 0.033%; no homozygotes.

Submissions (2):

CeGaT Center for Human Genetics Tuebingen
Classification: Uncertain significance. Last evaluated: 2025-12-01. Review status: criteria provided, single submitter. Criteria: CeGaT Center For Human Genetics Tuebingen Variant Classification Criteria Version 2. Collection method: clinical testing. Allele origin: germline. Affected: yes. Observed: 1 variant allele.
Comment: NLRP5: PM2, BP4

Ambry Genetics
Classification: Likely benign. Last evaluated: 2022-08-17. Review status: criteria provided, single submitter. Criteria: Ambry Variant Classification Scheme 2023. Collection method: clinical testing. Allele origin: germline.

NM_001433705.1(NLRP5):c.2198G>A (p.Arg733Gln)

Gene: NLRP5 (NLR family pyrin domain containing 5; plus strand). Cytogenetic location: 19q13.43.
Variant type: single nucleotide variant.
Coding change: c.2198G>A on transcript NM_001433705.1 (MANE Select); coding-DNA position 2198, G replaced by A.
Protein change: p.Arg733Gln; replaces arginine 733 with glutamine.
Molecular consequence: missense variant.
Genome position (GRCh38, 1-based): chr19:56,032,685, G>A. VCF-style: chr19-56032685-G-A. GRCh37 (hg19) VCF-style: chr19-56544051-G-A.
Other names: NM_153447.4:c.2351G>A; short protein forms R733Q.
Identifiers: ClinVar variation 3200662 (VCV003200662.6), dbSNP rs551593086, ClinGen allele CA9685858.